The following is an entry in ClinVar:

ClinVar aggregate classification (germline): Likely benign. Review status: criteria provided, multiple submitters, no conflicts (2 of 4 stars). 3 submissions from 3 submitters: Likely benign (3). Last evaluated 2024-03-11.

Conditions:
Early-infantile DEE. Also called: Early infantile epileptic encephalopathy; Ohtahara syndrome; Early infantile epileptic encephalopathy with suppression bursts. Identifiers: Orphanet 1934, MedGen C0393706, MONDO:0800491.
Inborn genetic diseases. Identifiers: MedGen C0950123, MeSH D030342.

Allele frequency attached by ClinVar (database versions not stated): gnomAD exomes below 0.00001; gnomAD 0.00001; TOPMed 0.00001.
gnomAD v4.1: 13 of 1,613,174 alleles (0.00081%); highest among the groups gnomAD compares: Non-Finnish European, 0.0011%; no homozygotes.

Submissions (3):

Labcorp Genetics (formerly Invitae), Labcorp
Classification: Likely benign for Early-infantile DEE. Last evaluated: 2024-03-11. Review status: criteria provided, single submitter. Criteria: Invitae Variant Classification Sherloc (09022015). Collection method: clinical testing. Allele origin: germline.

CeGaT Center for Human Genetics Tuebingen
Classification: Likely benign. Last evaluated: 2023-09-01. Review status: criteria provided, single submitter. Criteria: CeGaT Center For Human Genetics Tuebingen Variant Classification Criteria Version 2. Collection method: clinical testing. Allele origin: germline. Affected: yes. Observed: 1 variant allele.
Comment: HCN1: BP4

Ambry Genetics
Classification: Likely benign for Inborn genetic diseases. Last evaluated: 2016-05-13. Review status: criteria provided, single submitter. Criteria: Ambry Variant Classification Scheme 2023. Collection method: clinical testing. Allele origin: germline.

NM_021072.4(HCN1):c.1578C>A (p.Ser526=)

Gene: HCN1 (hyperpolarization activated cyclic nucleotide gated potassium channel 1; minus strand). Cytogenetic location: 5p12.
Variant type: single nucleotide variant.
Coding change: c.1578C>A on transcript NM_021072.4 (MANE Select); coding-DNA position 1578, C replaced by A.
Protein change: p.Ser526=; no amino-acid change (serine 526 retained).
Molecular consequence: synonymous variant.
Genome position (GRCh38, 1-based): chr5:45,303,639, G>T on the plus strand (C>A on the coding strand, the complement: HCN1 is on the minus strand). VCF-style: chr5-45303639-G-T. GRCh37 (hg19) VCF-style: chr5-45303741-G-T.
Identifiers: ClinVar variation 589285 (VCV000589285.38), dbSNP rs1478297290, ClinGen allele CA444257003.